The following is an entry in ClinVar:

NM_003848.4(SUCLG2):c.1163C>T (p.Pro388Leu)

Gene: SUCLG2 (succinate-CoA ligase GDP-forming subunit beta; minus strand). Cytogenetic location: 3p14.1.
Variant type: single nucleotide variant.
Coding change: c.1163C>T on transcript NM_003848.4 (MANE Select); coding-DNA position 1163, C replaced by T.
Protein change: p.Pro388Leu; replaces proline 388 with leucine.
Molecular consequence: missense variant.
Genome position (GRCh38, 1-based): chr3:67,400,751, G>A on the plus strand (C>T on the coding strand, the complement: SUCLG2 is on the minus strand). VCF-style: chr3-67400751-G-A. GRCh37 (hg19) VCF-style: chr3-67451175-G-A.
Other names: c.1163C>T, p.Pro388Leu (NM_001177599.2); short protein forms P388L.
Identifiers: ClinVar variation 4177496 (VCV004177496.2).

ClinVar aggregate classification (germline): Uncertain significance. Review status: criteria provided, multiple submitters, no conflicts (2 of 4 stars). 2 submissions from 2 submitters: Uncertain significance (2). Last evaluated 2025-08-22.

gnomAD v4.1: 160 of 1,611,750 alleles (0.0099%); highest among the groups gnomAD compares: East Asian, 0.36%; 3 homozygotes.

Submissions (2):

Ambry Genetics
Classification: Uncertain significance. Last evaluated: 2025-08-22. Review status: criteria provided, single submitter. Criteria: Ambry Variant Classification Scheme 2023. Collection method: clinical testing. Allele origin: germline.

Labcorp Genetics (formerly Invitae), Labcorp
Classification: Uncertain significance. Last evaluated: 2025-06-15. Review status: criteria provided, single submitter. Criteria: Invitae Variant Classification Sherloc (09022015). Collection method: clinical testing. Allele origin: germline.
Comment: This sequence change replaces proline, which is neutral and non-polar, with leucine, which is neutral and non-polar, at codon 388 of the SUCLG2 protein (p.Pro388Leu). This variant is present in population databases (rs77723213, gnomAD 0.06%). This variant has not been reported in the literature in individuals affected with SUCLG2-related conditions. An algorithm developed to predict the effect of missense changes on protein structure and function (PolyPhen-2) suggests that this variant is likely to be disruptive. In summary, the available evidence is currently insufficient to determine the role of this variant in disease. Therefore, it has been classified as a Variant of Uncertain Significance.